The following is an entry in ClinVar:

NM_001375883.1(GPR161):c.660C>G (p.Arg220=)

Gene: GPR161 (G protein-coupled receptor 161; minus strand). Cytogenetic location: 1q24.2.
Variant type: single nucleotide variant.
Coding change: c.660C>G on transcript NM_001375883.1 (MANE Select); coding-DNA position 660, C replaced by G.
Protein change: p.Arg220=; no amino-acid change (arginine 220 retained).
Molecular consequence: synonymous variant.
Genome position (GRCh38, 1-based): chr1:168,096,947, G>C on the plus strand (C>G on the coding strand, the complement: GPR161 is on the minus strand). VCF-style: chr1-168096947-G-C. GRCh37 (hg19) VCF-style: chr1-168066185-G-C.
Other names: c.660C>G, p.Arg220= (NM_001267610.2, NM_001349632.1, NM_001349633.1 and 5 more transcripts); c.711C>G, p.Arg237= (NM_001267611.1); c.264C>G, p.Arg88= (NM_001267612.2, NM_001349635.1); c.426C>G, p.Arg142= (NM_001267613.1); c.318C>G, p.Arg106= (NM_001267614.1); c.720C>G, p.Arg240= (NM_001267609.1).
Identifiers: ClinVar variation 2639532 (VCV002639532.26), dbSNP rs201970960, ClinGen allele CA1229659.

ClinVar aggregate classification (germline): Likely benign. Review status: criteria provided, multiple submitters, no conflicts (2 of 4 stars). 2 submissions from 2 submitters: Likely benign (2). Last evaluated 2024-06-03.

Allele frequency attached by ClinVar (database versions not stated): gnomAD 0.00003; ExAC 0.00005; TOPMed 0.00006; ESP Exome Variant Server 0.00008.
gnomAD v4.1: 94 of 1,614,126 alleles (0.0058%); highest among the groups gnomAD compares: Middle Eastern, 0.082%; 1 homozygote.

Submissions (2):

Labcorp Genetics (formerly Invitae), Labcorp
Classification: Likely benign. Last evaluated: 2024-06-03. Review status: criteria provided, single submitter. Criteria: Invitae Variant Classification Sherloc (09022015). Collection method: clinical testing. Allele origin: germline.

CeGaT Center for Human Genetics Tuebingen
Classification: Likely benign. Last evaluated: 2023-10-01. Review status: criteria provided, single submitter. Criteria: CeGaT Center For Human Genetics Tuebingen Variant Classification Criteria Version 2. Collection method: clinical testing. Allele origin: germline. Affected: yes. Observed: 1 variant allele.
Comment: GPR161: BP4, BP7